The following is an entry in ClinVar:

ClinVar aggregate classification (germline): Likely pathogenic (0 of 4 stars; one submission).

Conditions:
ASH1L-related disorder. Also called: ASH1L-related condition.

Submission:

PreventionGenetics, part of Exact Sciences
Classification: Likely pathogenic for ASH1L-related condition. Last evaluated: 2024-03-22. Review status: no assertion criteria provided. Collection method: clinical testing. Allele origin: germline.
Comment: The ASH1L c.1477_1478delGA variant is predicted to result in a frameshift and premature protein termination (p.Glu493Asnfs*3). To our knowledge, this variant has not been reported in the literature or in a large population database, indicating this variant is rare. Frameshift variants in ASH1L are expected to be pathogenic. This variant is interpreted as likely pathogenic.

NM_018489.3(ASH1L):c.1477_1478del (p.Glu493fs)

Gene: ASH1L (ASH1 like histone lysine methyltransferase; minus strand). Cytogenetic location: 1q22.
Variant type: Deletion.
Coding change: c.1477_1478del on transcript NM_018489.3 (MANE Select); coding-DNA positions 1477 to 1478, 2 bases deleted (GA; older notation c.1477_1478delGA).
Protein change: p.Glu493fs; shifts the reading frame from glutamic acid 493.
Molecular consequence: frameshift variant.
Genome position (GRCh38, 1-based): chr1:155,481,392-155,481,393, TC deleted on the plus strand (GA on the coding strand, the reverse complement: ASH1L is on the minus strand); deleting any 2 consecutive bases within chr1:155,481,392-155,481,394 gives the same sequence; the c. name uses the placement nearest the transcript's 3' end. VCF-style (leftmost placement, unchanged base first): chr1-155481391-TTC-T. GRCh37 (hg19) VCF-style: chr1-155451182-TTC-T.
Other names: c.1477_1478del, p.Glu493fs (NM_001366177.2); short protein forms E493fs.
Identifiers: ClinVar variation 3350194 (VCV003350194.1).